The following is an entry in ClinVar:

ClinVar aggregate classification (germline): Uncertain significance (1 of 4 stars; one submission).

Allele frequency attached by ClinVar (database versions not stated): ExAC 0.00001; gnomAD exomes 0.00001; gnomAD 0.00002; TOPMed 0.00002; ESP Exome Variant Server 0.00008.
gnomAD v4.1: 12 of 1,613,808 alleles (0.00074%); highest among the groups gnomAD compares: South Asian, 0.0011%; no homozygotes.

Submission:

Women's Health and Genetics/Laboratory Corporation of America, LabCorp
Classification: Uncertain significance. Last evaluated: 2023-09-15. Review status: criteria provided, single submitter. Criteria: LabCorp Variant Classification Summary - May 2015. Collection method: clinical testing. Allele origin: germline.
Comment: Variant summary: SLITRK1 c.446C>T (p.Ala149Val) results in a non-conservative amino acid change in the encoded protein sequence. Three of five in-silico tools predict a damaging effect of the variant on protein function. The variant allele was found at a frequency of 4e-06 in 251314 control chromosomes (gnomAD). The available data on variant occurrences in the general population are insufficient to allow any conclusion about variant significance. To our knowledge, no occurrence of c.446C>T in individuals affected with Tourette Syndrome and no experimental evidence demonstrating its impact on protein function have been reported. No submitters have cited clinical-significance assessments for this variant to ClinVar after 2014. Based on the evidence outlined above, the variant was classified as uncertain significance.

NM_001281503.2(SLITRK1):c.446C>T (p.Ala149Val)

Gene: SLITRK1 (SLIT and NTRK like family member 1; minus strand). Cytogenetic location: 13q31.1.
Variant type: single nucleotide variant.
Coding change: c.446C>T on transcript NM_001281503.2 (MANE Select); coding-DNA position 446, C replaced by T.
Protein change: p.Ala149Val; replaces alanine 149 with valine.
Molecular consequence: missense variant.
Genome position (GRCh38, 1-based): chr13:83,881,062, G>A on the plus strand (C>T on the coding strand, the complement: SLITRK1 is on the minus strand). VCF-style: chr13-83881062-G-A. GRCh37 (hg19) VCF-style: chr13-84455197-G-A.
Other names: c.446C>T, p.Ala149Val (NM_052910.2); short protein forms A149V.
Identifiers: ClinVar variation 2627256 (VCV002627256.1), dbSNP rs149163916, ClinGen allele CA7014806.